The following is an entry in ClinVar:

NM_152365.3(KDF1):c.234G>C (p.Trp78Cys)

Gene: KDF1 (keratinocyte differentiation factor 1; minus strand). Cytogenetic location: 1p36.11.
Variant type: single nucleotide variant.
Coding change: c.234G>C on transcript NM_152365.3 (MANE Select); coding-DNA position 234, G replaced by C.
Protein change: p.Trp78Cys; replaces tryptophan 78 with cysteine.
Molecular consequence: missense variant.
Genome position (GRCh38, 1-based): chr1:26,952,147, C>G on the plus strand (G>C on the coding strand, the complement: KDF1 is on the minus strand). VCF-style: chr1-26952147-C-G. GRCh37 (hg19) VCF-style: chr1-27278638-C-G.
Other names: short protein forms W78C.
Identifiers: ClinVar variation 2107400 (VCV002107400.4), dbSNP rs2082354510, ClinGen allele CA339163948.

ClinVar aggregate classification (germline): Uncertain significance (1 of 4 stars; one submission).

Submission:

Labcorp Genetics (formerly Invitae), Labcorp
Classification: Uncertain significance. Last evaluated: 2022-09-13. Review status: criteria provided, single submitter. Criteria: Invitae Variant Classification Sherloc (09022015). Collection method: clinical testing. Allele origin: germline.
Comment: In summary, the available evidence is currently insufficient to determine the role of this variant in disease. Therefore, it has been classified as a Variant of Uncertain Significance. Advanced modeling of protein sequence and biophysical properties (such as structural, functional, and spatial information, amino acid conservation, physicochemical variation, residue mobility, and thermodynamic stability) performed at Invitae indicates that this missense variant is not expected to disrupt KDF1 protein function. This variant has not been reported in the literature in individuals affected with KDF1-related conditions. This variant is not present in population databases (gnomAD no frequency). This sequence change replaces tryptophan, which is neutral and slightly polar, with cysteine, which is neutral and slightly polar, at codon 78 of the KDF1 protein (p.Trp78Cys).